The following is an entry in ClinVar:

NM_000334.4(SCN4A):c.1753A>G (p.Thr585Ala)

Gene: SCN4A (sodium voltage-gated channel alpha subunit 4; minus strand). Cytogenetic location: 17q23.3.
Variant type: single nucleotide variant.
Coding change: c.1753A>G on transcript NM_000334.4 (MANE Select); coding-DNA position 1753, A replaced by G.
Protein change: p.Thr585Ala; replaces threonine 585 with alanine.
Molecular consequence: missense variant.
Genome position (GRCh38, 1-based): chr17:63,961,285, T>C on the plus strand (A>G on the coding strand, the complement: SCN4A is on the minus strand). VCF-style: chr17-63961285-T-C. GRCh37 (hg19) VCF-style: chr17-62038645-T-C.
Other names: short protein forms T585A.
Identifiers: ClinVar variation 864440 (VCV000864440.14), dbSNP rs1289461335, ClinGen allele CA400633163.
Genomic context (GRCh38, chr17:63,961,285, plus strand): 5'-GCTCCGTCATGGGGTAATGTTCCATGGCCATGAAGAGGGTGTTGAGCACGATGCAGATGG[T>C]GATGCCCAGGTCCACGAACGGGTCCATGACGATCAGGTGGATGATGTTCTTGAACTTCAG-3'
Protein context (NP_000325.4, residues 575-595): VMDPFVDLGI[Thr585Ala]ICIVLNTLFM

ClinVar aggregate classification (germline): Uncertain significance. Review status: criteria provided, multiple submitters, no conflicts (2 of 4 stars). 3 submissions from 3 submitters: Uncertain significance (3). Last evaluated 2024-04-22.

Conditions:
Hyperkalemic periodic paralysis. Also called: Familial hyperkalemic periodic paralysis; Gamstorp disease. Identifiers: Orphanet 682, MedGen C0238357, MONDO:0008224, OMIM 170500, HP:0007215.
Congenital myopathy 22A, classic (CMYO22A). Identifiers: MedGen C5830453, MONDO:0957247, OMIM 620351.
Congenital myopathy 22B, severe fetal (CMYO22B). Identifiers: MedGen C5830501, MONDO:0957265, OMIM 620369.
Paramyotonia congenita of Von Eulenburg. Also called: Eulenburg disease; Myotonia congenita intermittens; Von Eulenburg paramyotonia congenita; Paramyotonia Congenita; PARALYSIS PERIODICA PARAMYOTONICA. Identifiers: Orphanet 684, MedGen C0221055, MONDO:0008195, OMIM 168300. Disease mechanism: loss of function.
Hypokalemic periodic paralysis, type 2 (HOKPP2). Identifiers: Orphanet 681, MedGen C2750061, MONDO:0013234, OMIM 613345.
Potassium-aggravated myotonia. Also called: MYOTONIA CONGENITA, ACETAZOLAMIDE-RESPONSIVE; MYOTONIA CONGENITA, ATYPICAL; SODIUM CHANNEL MUSCLE DISEASE; Myotonia congenita, atypical, acetazolamide-responsive. Identifiers: Orphanet 612, Orphanet 99734, Orphanet 99735, Orphanet 99736, MedGen C2931826, MONDO:0018959, OMIM 608390.
Congenital myasthenic syndrome 16. Identifiers: Orphanet 590, MedGen C3280112, MONDO:0013620, OMIM 614198.

Allele frequency attached by ClinVar (database versions not stated): gnomAD exomes 0.00001 and below 0.00001; TOPMed 0.00001; gnomAD 0.00001.
gnomAD v4.1: 9 of 1,612,686 alleles (0.00056%); highest among the groups gnomAD compares: Non-Finnish European, 0.00076%; no homozygotes.

Submissions (3):

Fulgent Genetics
Classification: Uncertain significance for Paramyotonia congenita of Von Eulenburg; Hyperkalemic periodic paralysis; Potassium-aggravated myotonia; Hypokalemic periodic paralysis, type 2; Congenital myasthenic syndrome 16; Congenital myopathy 22A, classic; Congenital myopathy 22B, severe fetal. Last evaluated: 2024-04-22. Review status: criteria provided, single submitter. Criteria: ACMG Guidelines, 2015. Collection method: clinical testing. Allele origin: germline.

Labcorp Genetics (formerly Invitae), Labcorp
Classification: Uncertain significance for Hyperkalemic periodic paralysis. Last evaluated: 2024-02-26. Review status: criteria provided, single submitter. Criteria: Invitae Variant Classification Sherloc (09022015). Collection method: clinical testing. Allele origin: germline.
Comment: This sequence change replaces threonine, which is neutral and polar, with alanine, which is neutral and non-polar, at codon 585 of the SCN4A protein (p.Thr585Ala). This variant is present in population databases (no rsID available, gnomAD 0.0009%). This missense change has been observed in individual(s) with clinical features of SCN4A-related conditions (Invitae). ClinVar contains an entry for this variant (Variation ID: 864440). Advanced modeling of protein sequence and biophysical properties (such as structural, functional, and spatial information, amino acid conservation, physicochemical variation, residue mobility, and thermodynamic stability) has been performed at Invitae for this missense variant, however the output from this modeling did not meet the statistical confidence thresholds required to predict the impact of this variant on SCN4A protein function. In summary, the available evidence is currently insufficient to determine the role of this variant in disease. Therefore, it has been classified as a Variant of Uncertain Significance.

Revvity Omics, Revvity
Classification: Uncertain significance. Last evaluated: 2019-05-02. Review status: criteria provided, single submitter. Criteria: ACMG Guidelines, 2015. Collection method: clinical testing. Allele origin: germline.